The following is an entry in ClinVar:

ClinVar aggregate classification (germline): Uncertain significance (1 of 4 stars; one submission).

Conditions:
KCNMA1-related disorder. Also called: KCNMA1-related disorders; KCNMA1-related condition.

gnomAD v4.1: 164 of 1,421,056 alleles (0.012%); highest among the groups gnomAD compares: Admixed American, 0.025%; no homozygotes.

Submission:

PreventionGenetics, part of Exact Sciences
Classification: Uncertain significance for KCNMA1-related condition. Last evaluated: 2025-10-27. Review status: criteria provided, single submitter. Criteria: ACMG Guidelines, 2015. Collection method: clinical testing. Allele origin: germline.
Comment: The KCNMA1 c.491+1G>C variant is predicted to disrupt the GT donor site and interfere with normal splicing. This variant corresponds to a deep intronic position in an alternate transcript for this gene (NM_001161353:c.378+372G>C). To our knowledge, this variant has not been reported in the literature. This variant is reported in 0.12% of alleles in individuals of Latino descent in gnomAD. At this time, the clinical significance of this variant is uncertain due to the absence of conclusive functional and genetic evidence.

NM_001161352.2(KCNMA1):c.378+372G>C

Gene: KCNMA1 (potassium calcium-activated channel subfamily M alpha 1; minus strand). Cytogenetic location: 10q22.3.
Variant type: single nucleotide variant.
Coding change: c.378+372G>C on transcript NM_001161352.2 (MANE Select); 372 bases into the intron after coding-DNA position 378, G replaced by C.
Molecular consequence: intron variant. On other transcripts: synonymous variant (1), splice donor variant (1).
Genome position (GRCh38, 1-based): chr10:77,636,893, C>G on the plus strand (G>C on the coding strand, the complement: KCNMA1 is on the minus strand). VCF-style: chr10-77636893-C-G. GRCh37 (hg19) VCF-style: chr10-79396651-C-G.
Other names: c.492G>C, p.Gly164= (NM_001271520.2); c.378+372G>C (NM_001271518.2, NM_001322832.2, NM_001410940.1 and 10 more transcripts); c.379-324G>C (NM_001271521.2); c.491+1G>C (NM_001322839.2).
Identifiers: ClinVar variation 3351682 (VCV003351682.2).
Genomic context (GRCh38, chr10:77,636,893, plus strand): 5'-GCTCCCTCTCGCCCACCGCCAGGAGCCGAGCCCCGGCAGGTGAGCGGTGCAAAACACGCA[C>G]CCAGCTGCCCCCAGCTTCCTCCGTCCCCGCTGAGTTGGCTGTCCCCACCCCGCACCACGG-3'